The following is an entry in ClinVar:

NM_020320.5(RARS2):c.940dup (p.Met314fs)

Gene: RARS2 (arginyl-tRNA synthetase 2, mitochondrial; minus strand). Cytogenetic location: 6q15.
Variant type: Duplication.
Coding change: c.940dup on transcript NM_020320.5 (MANE Select); coding-DNA position 940, one base duplicated (A; older notation c.940dupA).
Protein change: p.Met314fs; shifts the reading frame from methionine 314.
Molecular consequence: frameshift variant. On other transcripts: non-coding transcript variant (23).
Genome position (GRCh38, 1-based): chr6:87,524,591, T duplicated on the plus strand (A on the coding strand, the reverse complement: RARS2 is on the minus strand); the first of 2 consecutive T bases (chr6:87,524,591-87,524,592); duplicating either gives the same sequence. VCF-style (leftmost placement, unchanged base first): chr6-87524590-A-AT. GRCh37 (hg19) VCF-style: chr6-88234308-A-AT.
Other names: c.415dup, p.Met139fs (NM_001318785.2, NM_001350506.2, NM_001350507.2 and 4 more transcripts); c.940dup, p.Met314fs (NM_001350505.2); short protein forms M139fs, M314fs.
Identifiers: ClinVar variation 1457649 (VCV001457649.6), dbSNP rs2128035798, ClinGen allele CA2573141331.

ClinVar aggregate classification (germline): Pathogenic (1 of 4 stars; one submission).

Submission:

Labcorp Genetics (formerly Invitae), Labcorp
Classification: Pathogenic. Last evaluated: 2021-01-19. Review status: criteria provided, single submitter. Criteria: Invitae Variant Classification Sherloc (09022015). Collection method: clinical testing. Allele origin: germline.
Comment: This sequence change creates a premature translational stop signal (p.Met314Asnfs*4) in the RARS2 gene. It is expected to result in an absent or disrupted protein product. Loss-of-function variants in RARS2 are known to be pathogenic (PMID: 17847012, 22569581, 26083569). This variant is not present in population databases (ExAC no frequency). This variant has not been reported in the literature in individuals with RARS2-related conditions. For these reasons, this variant has been classified as Pathogenic.

Literature cited by the submitters: PubMed 17847012; PubMed 22569581; PubMed 26083569.